The following is an entry in ClinVar:

NM_020964.3(EPG5):c.6436G>A (p.Gly2146Arg)

Gene: EPG5 (ectopic P-granules 5 autophagy tethering factor; minus strand). Cytogenetic location: 18q12.3.
Variant type: single nucleotide variant.
Coding change: c.6436G>A on transcript NM_020964.3 (MANE Select); coding-DNA position 6436, G replaced by A.
Protein change: p.Gly2146Arg; replaces glycine 2146 with arginine.
Molecular consequence: missense variant.
Genome position (GRCh38, 1-based): chr18:45,866,983, C>T on the plus strand (G>A on the coding strand, the complement: EPG5 is on the minus strand). VCF-style: chr18-45866983-C-T. GRCh37 (hg19) VCF-style: chr18-43446948-C-T.
Other names: c.6436G>A, p.Gly2146Arg (LRG_1234t1); short protein forms G2146R.
Identifiers: ClinVar variation 571485 (VCV000571485.4), dbSNP rs764947795, ClinGen allele CA8948267.

ClinVar aggregate classification (germline): Uncertain significance. Review status: criteria provided, multiple submitters, no conflicts (2 of 4 stars). 2 submissions from 2 submitters: Uncertain significance (2). Last evaluated 2018-10-31.

Conditions:
Vici syndrome (VICIS). Identifiers: Orphanet 1493, MedGen C1855772, MONDO:0009452, OMIM 242840.

Allele frequency attached by ClinVar (database versions not stated): gnomAD exomes below 0.00001; ExAC 0.00001.
gnomAD v4.1: 3 of 1,614,028 alleles (0.00019%); highest among the groups gnomAD compares: Middle Eastern, 0.033%; no homozygotes.

Submissions (2):

Fulgent Genetics
Classification: Uncertain significance for Vici syndrome. Last evaluated: 2018-10-31. Review status: criteria provided, single submitter. Criteria: ACMG Guidelines, 2015. Collection method: clinical testing. Allele origin: unknown.

Labcorp Genetics (formerly Invitae), Labcorp
Classification: Uncertain significance for Vici syndrome. Last evaluated: 2018-10-19. Review status: criteria provided, single submitter. Criteria: Invitae Variant Classification Sherloc (09022015). Collection method: clinical testing. Allele origin: germline.
Comment: This sequence change replaces glycine with arginine at codon 2146 of the EPG5 protein (p.Gly2146Arg). The glycine residue is highly conserved and there is a moderate physicochemical difference between glycine and arginine. This variant is present in population databases (rs764947795, ExAC 0.001%). This variant has not been reported in the literature in individuals with EPG5-related disease. Algorithms developed to predict the effect of missense changes on protein structure and function are either unavailable or do not agree on the potential impact of this missense change (SIFT: "Tolerated"; PolyPhen-2: "Probably Damaging"; Align-GVGD: "Class C0"). Algorithms developed to predict the effect of sequence changes on RNA splicing suggest that this variant may create or strengthen a splice site, but this prediction has not been confirmed by published transcriptional studies. In summary, the available evidence is currently insufficient to determine the role of this variant in disease. Therefore, it has been classified as a Variant of Uncertain Significance.